The following is an entry in ClinVar:

NM_002474.3(MYH11):c.1236G>A (p.Gln412=)

Gene: MYH11 (myosin heavy chain 11; minus strand). Cytogenetic location: 16p13.11.
Variant type: single nucleotide variant.
Coding change: c.1236G>A on transcript NM_002474.3 (MANE Select); coding-DNA position 1236, G replaced by A.
Protein change: p.Gln412=; no amino-acid change (glutamine 412 retained).
Molecular consequence: synonymous variant.
Genome position (GRCh38, 1-based): chr16:15,760,552, C>T on the plus strand (G>A on the coding strand, the complement: MYH11 is on the minus strand). VCF-style: chr16-15760552-C-T. GRCh37 (hg19) VCF-style: chr16-15854409-C-T.
Other names: c.1257G>A, p.Gln419= (NM_001040113.2, NM_001040114.2); c.1236G>A, p.Gln412= (NM_022844.3).
Identifiers: ClinVar variation 3071047 (VCV003071047.2), dbSNP rs2506411697, ClinGen allele CA493793851.

ClinVar aggregate classification (germline): Likely benign. Review status: criteria provided, multiple submitters, no conflicts (2 of 4 stars). 2 submissions from 2 submitters: Likely benign (2). Last evaluated 2025-05-22.

Conditions:
Familial thoracic aortic aneurysm and aortic dissection (TAAD). Also called: Thoracic aortic aneurysms and dissections. Identifiers: Orphanet 91387, MedGen C4707243, MONDO:0019625.
Aortic aneurysm, familial thoracic 4 (AAT4). Also called: AORTIC ANEURYSM/AORTIC DISSECTION AND PATENT DUCTUS ARTERIOSUS. Identifiers: MedGen C1851504, MONDO:0007568, OMIM 132900.

Submissions (2):

Labcorp Genetics (formerly Invitae), Labcorp
Classification: Likely benign for Aortic aneurysm, familial thoracic 4. Last evaluated: 2025-05-22. Review status: criteria provided, single submitter. Criteria: Invitae Variant Classification Sherloc (09022015). Collection method: clinical testing. Allele origin: germline.

All of Us Research Program, National Institutes of Health
Classification: Likely benign for Familial thoracic aortic aneurysm and aortic dissection. Last evaluated: 2023-05-16. Review status: criteria provided, single submitter. Criteria: ACMG Guidelines, 2015. Collection method: clinical testing. Allele origin: germline. Inheritance: Autosomal dominant inheritance. Observed: 1 variant allele, 1 heterozygote.
Comment: This study involves interpretation of variants in research participants for the purpose of population health screening. Participant phenotype was not available at the time of variant classification. Additional details can be found in publication PMID: 35346344, PMCID: PMC8962531